The following is an entry in ClinVar:

NM_001321075.3(DLG4):c.199A>G (p.Thr67Ala)

Gene: DLG4 (discs large MAGUK scaffold protein 4; minus strand). Cytogenetic location: 17p13.1.
Variant type: single nucleotide variant.
Coding change: c.199A>G on transcript NM_001321075.3 (MANE Select); coding-DNA position 199, A replaced by G.
Protein change: p.Thr67Ala; replaces threonine 67 with alanine.
Molecular consequence: missense variant. On other transcripts: non-coding transcript variant (1).
Genome position (GRCh38, 1-based): chr17:7,204,019, T>C on the plus strand (A>G on the coding strand, the complement: DLG4 is on the minus strand). VCF-style: chr17-7204019-T-C. GRCh37 (hg19) VCF-style: chr17-7107338-T-C.
Other names: c.190A>G, p.Thr64Ala (NM_001128827.4); c.319A>G, p.Thr107Ala (NM_001321074.1); c.19A>G, p.Thr7Ala (NM_001321076.3, NM_001321077.3); c.328A>G, p.Thr110Ala (NM_001365.5); c.118A>G, p.Thr40Ala (NM_001369566.3); short protein forms T107A, T110A, T40A, T64A, T67A, T7A.
Identifiers: ClinVar variation 4685403 (VCV004685403.1).

ClinVar aggregate classification (germline): Uncertain significance (1 of 4 stars; one submission).

Submission:

GeneDx
Classification: Uncertain significance. Last evaluated: 2025-07-07. Review status: criteria provided, single submitter. Criteria: GeneDx Variant Classification Process June 2021. Collection method: clinical testing. Allele origin: germline. Affected: yes.
Comment: Not observed at significant frequency in large population cohorts (gnomAD); In silico analysis supports that this missense variant has a deleterious effect on protein structure/function; Has not been previously published as pathogenic or benign to our knowledge